The following is an entry in ClinVar:

ClinVar aggregate classification (germline): Likely benign. Review status: criteria provided, single submitter (1 of 4 stars). 2 submissions from 2 submitters: Likely benign (1). 1 of the submissions does not count toward it. Last evaluated 2025-07-02.

Conditions:
KIDINS220-related disorder. Also called: KIDINS220-related condition.

Allele frequency attached by ClinVar (database versions not stated): ExAC 0.00001; gnomAD 0.00002; TOPMed 0.00002.
gnomAD v4.1: 30 of 1,613,818 alleles (0.0019%); highest among the groups gnomAD compares: Admixed American, 0.0083%; no homozygotes.

Submissions (2):

Labcorp Genetics (formerly Invitae), Labcorp
Classification: Likely benign. Last evaluated: 2025-07-02. Review status: criteria provided, single submitter. Criteria: Invitae Variant Classification Sherloc (09022015). Collection method: clinical testing. Allele origin: germline.

PreventionGenetics, part of Exact Sciences
Classification: Likely benign for KIDINS220-related condition. Last evaluated: 2019-06-05. Review status: no assertion criteria provided. Collection method: clinical testing. Allele origin: germline. Not counted in ClinVar's aggregate classification.
Comment: This variant is classified as likely benign based on ACMG/AMP sequence variant interpretation guidelines (Richards et al. 2015 PMID: 25741868, with internal and published modifications).

NM_020738.4(KIDINS220):c.3273G>A (p.Ala1091=)

Gene: KIDINS220 (kinase D interacting substrate 220; minus strand). Cytogenetic location: 2p25.1.
Variant type: single nucleotide variant.
Coding change: c.3273G>A on transcript NM_020738.4 (MANE Select); coding-DNA position 3273, G replaced by A.
Protein change: p.Ala1091=; no amino-acid change (alanine 1091 retained).
Molecular consequence: synonymous variant. On other transcripts: non-coding transcript variant (2).
Genome position (GRCh38, 1-based): chr2:8,750,253, C>T on the plus strand (G>A on the coding strand, the complement: KIDINS220 is on the minus strand). VCF-style: chr2-8750253-C-T. GRCh37 (hg19) VCF-style: chr2-8890383-C-T.
Other names: c.3276G>A, p.Ala1092= (NM_001348729.2, NM_001348731.2, NM_001348734.2 and 2 more transcripts); c.3273G>A, p.Ala1091= (NM_001348732.2, NM_001348735.2, NM_001348738.2 and 3 more transcripts); c.3147G>A, p.Ala1049= (NM_001348736.2).
Identifiers: ClinVar variation 3043860 (VCV003043860.3), dbSNP rs778534103, ClinGen allele CA1519712.